The following is an entry in ClinVar:

NM_058216.3(RAD51C):c.905-20dup

Gene: RAD51C (RAD51 paralog C; plus strand). Cytogenetic location: 17q22.
Variant type: Duplication.
Coding change: c.905-20dup on transcript NM_058216.3 (MANE Select); 20 bases into the intron before coding-DNA position 905, one base duplicated (A; older notation c.905-20dupA).
Molecular consequence: intron variant.
Genome position (GRCh38, 1-based): chr17:58,724,020, A duplicated. VCF-style (leftmost placement, unchanged base first): chr17-58724019-T-TA. GRCh37 (hg19) VCF-style: chr17-56801380-T-TA.
Identifiers: ClinVar variation 3904425 (VCV003904425.1).

ClinVar aggregate classification (germline): Benign (1 of 4 stars; one submission).

Conditions:
Breast-ovarian cancer, familial, susceptibility to, 3. Also called: RAD51C-Related Breast/Ovarian Cancer. Identifiers: Orphanet 145, MedGen C3150659, MONDO:0013253, OMIM 613399.

Submission:

Myriad Genetics, Inc.
Classification: Benign for Breast-ovarian cancer, familial, susceptibility to, 3. Last evaluated: 2025-02-19. Review status: criteria provided, single submitter. Criteria: Myriad Autosomal Dominant, Autosomal Recessive and X-Linked Classification Criteria (2023). Collection method: clinical testing. Allele origin: unknown.
Comment: This variant is considered benign. This variant is intronic and is not expected to impact mRNA splicing.